The following is an entry in ClinVar:

ClinVar aggregate classification (germline): Uncertain significance. Review status: criteria provided, multiple submitters, no conflicts (2 of 4 stars). 2 submissions from 2 submitters: Uncertain significance (2). Last evaluated 2024-10-24.

Conditions:
Inborn genetic diseases. Identifiers: MedGen C0950123, MeSH D030342.

gnomAD v4.1: 1 of 1,589,436 alleles (0.000063%); highest among the groups gnomAD compares: Middle Eastern, 0.017%; no homozygotes.

Submissions (2):

Ambry Genetics
Classification: Uncertain significance for Inborn genetic diseases. Last evaluated: 2024-10-24. Review status: criteria provided, single submitter. Criteria: Ambry Variant Classification Scheme 2023. Collection method: clinical testing. Allele origin: germline.

Labcorp Genetics (formerly Invitae), Labcorp
Classification: Uncertain significance. Last evaluated: 2024-06-17. Review status: criteria provided, single submitter. Criteria: Invitae Variant Classification Sherloc (09022015). Collection method: clinical testing. Allele origin: germline.
Comment: This sequence change replaces arginine, which is basic and polar, with glycine, which is neutral and non-polar, at codon 1056 of the UBE3B protein (p.Arg1056Gly). This variant is not present in population databases (gnomAD no frequency). This variant has not been reported in the literature in individuals affected with UBE3B-related conditions. ClinVar contains an entry for this variant (Variation ID: 1948079). Advanced modeling of protein sequence and biophysical properties (such as structural, functional, and spatial information, amino acid conservation, physicochemical variation, residue mobility, and thermodynamic stability) performed at Invitae indicates that this missense variant is expected to disrupt UBE3B protein function with a positive predictive value of 80%. In summary, the available evidence is currently insufficient to determine the role of this variant in disease. Therefore, it has been classified as a Variant of Uncertain Significance.

NM_130466.4(UBE3B):c.3166C>G (p.Arg1056Gly)

Gene: UBE3B (ubiquitin protein ligase E3B; plus strand). Cytogenetic location: 12q24.11.
Variant type: single nucleotide variant.
Coding change: c.3166C>G on transcript NM_130466.4 (MANE Select); coding-DNA position 3166, C replaced by G.
Protein change: p.Arg1056Gly; replaces arginine 1056 with glycine.
Molecular consequence: missense variant.
Genome position (GRCh38, 1-based): chr12:109,534,741, C>G. VCF-style: chr12-109534741-C-G. GRCh37 (hg19) VCF-style: chr12-109972546-C-G.
Other names: c.3166C>G, p.Arg1056Gly (NM_183415.3); c.3166C>G (NM_130466.2); short protein forms R1056G.
Identifiers: ClinVar variation 1948079 (VCV001948079.6), dbSNP rs1015920433, ClinGen allele CA386632082.